The following is an entry in ClinVar:

ClinVar aggregate classification (germline): Pathogenic (1 of 4 stars; one submission).

Submission:

Quest Diagnostics Nichols Institute San Juan Capistrano
Classification: Pathogenic. Last evaluated: 2023-11-22. Review status: criteria provided, single submitter. Criteria: ACMG/ClinGen CNV Guidelines, 2019. Collection method: clinical testing. Allele origin: unknown.
Comment: This loss involves numerous protein-coding genes and is associated with Wilms tumor, aniridia, genitourinary anomalies and impaired intellectual development syndrome (WAGR syndrome; OMIM 194072; Shinawi 2011). Haploinsufficiency of PAX6 (CCID:007618) has been associated with aniridia (OMIM 106210; (CCID:007618; Lima Cunha 2019), and haploinsufficiency of WT1 has been associated with Wilms tumor 1 (OMIM 194070; CCID:008114). In addition, BDNF and ELP4 are candidate gene for various phenotypes (Ernst 2012, Addis 2015, Blanco-Kelly 2017). There are no similar copy number losses of this region in the general populations of the Database of Genomic Variants. Thus, this copy number variant (CNV) is classified as pathogenic. References: Addis et al., Hum Mutat. 2015 Sep;36(9):842-50. PMID: 26010655; Blanco-Kelly et al., PLoS One. 2017 Feb 23;12(2):e0172363. PMID: 28231309; Ernst et al., Arch Gen Psychiatry. 2012 Dec;69(12):1238-46. PMID: 23044507; Shinawi et al., Am J Med Genet A. 2011 Jun;155A(6):1272-80. PMID: 21567907

GRCh37/hg19 11p14.3-13(chr11:24192701-32455527)x1

Genes: ANO3 (anoctamin 3; plus strand), ARL14EP (ARF like GTPase 14 effector protein; plus strand), BBOX1 (gamma-butyrobetaine hydroxylase 1; plus strand), BDNF (brain derived neurotrophic factor; minus strand), BDNF-AS (BDNF antisense RNA; plus strand) and 20 more. Cytogenetic location: 11p14.3-13.
Variant type: copy number loss.
Change: copy number 1 (one copy instead of two) of chr11:24,192,701-32,455,527 (8.26 Mb, GRCh37 coordinates, 1-based), cytogenetic band 11p14.3-13.
Identifiers: ClinVar variation 3391911 (VCV003391911.1).